The following is an entry in ClinVar:

NM_201384.3(PLEC):c.7166T>C (p.Val2389Ala)

Gene: PLEC (plectin; minus strand). Cytogenetic location: 8q24.3.
Variant type: single nucleotide variant.
Coding change: c.7166T>C on transcript NM_201384.3 (MANE Select); coding-DNA position 7166, T replaced by C.
Protein change: p.Val2389Ala; replaces valine 2389 with alanine.
Molecular consequence: missense variant.
Genome position (GRCh38, 1-based): chr8:143,922,763, A>G on the plus strand (T>C on the coding strand, the complement: PLEC is on the minus strand). VCF-style: chr8-143922763-A-G. GRCh37 (hg19) VCF-style: chr8-144996931-A-G.
Other names: c.7247T>C, p.Val2416Ala (NM_000445.5); c.7124T>C, p.Val2375Ala (NM_201378.4); c.7100T>C, p.Val2367Ala (NM_201379.3); c.7577T>C, p.Val2526Ala (NM_201380.4); c.7070T>C, p.Val2357Ala (NM_201381.3); c.7166T>C, p.Val2389Ala (NM_201382.4); c.7178T>C, p.Val2393Ala (NM_201383.3); short protein forms V2357A, V2367A, V2375A, V2389A, V2393A, V2416A, V2526A.
Identifiers: ClinVar variation 501750 (VCV000501750.13), dbSNP rs782669267, ClinGen allele CA4925739.

ClinVar aggregate classification (germline): Uncertain significance. Review status: criteria provided, multiple submitters, no conflicts (2 of 4 stars). 3 submissions from 3 submitters: Uncertain significance (3). Last evaluated 2022-07-16.

Conditions:
Epidermolysis bullosa simplex 5B, with muscular dystrophy (EBS5B). Also called: EPIDERMOLYSIS BULLOSA SIMPLEX AND LIMB-GIRDLE MUSCULAR DYSTROPHY; Epidermolysis bullosa simplex with muscular dystrophy. Identifiers: Orphanet 257, MedGen C2931072, MONDO:0009181, OMIM 226670.
Epidermolysis bullosa simplex, Ogna type (EBS5A). Also called: Pidermolysis bullosa simplex 5A, Ogna type; EPIDERMOLYSIS BULLOSA SIMPLEX 5A, OGNA TYPE. Identifiers: Orphanet 79401, MedGen C0432317, MONDO:0007555, OMIM 131950.
Autosomal recessive limb-girdle muscular dystrophy type 2Q (LGMDR17). Also called: MUSCULAR DYSTROPHY, LIMB-GIRDLE, AUTOSOMAL RECESSIVE 17. Identifiers: Orphanet 254361, MedGen C3150989, MONDO:0013390, OMIM 613723.
Epidermolysis bullosa simplex 5C, with pyloric atresia (EBS5C). Also called: Epidermolysis bullosa simplex with pyloric atresia; PLEC1-Related Epidermolysis Bullosa with Pyloric Atresia; PLEC-Related Epidermolysis Bullosa with Pyloric Atresia. Identifiers: Orphanet 158684, MedGen C2677349, MONDO:0012807, OMIM 612138.
Epidermolysis bullosa simplex with nail dystrophy (EBS5D). Identifiers: MedGen C4225309, MONDO:0014661, OMIM 616487.

Allele frequency attached by ClinVar (database versions not stated): gnomAD exomes below 0.00001; TOPMed below 0.00001; ExAC 0.00001.
gnomAD v4.1: 1 of 1,607,816 alleles (0.000062%); highest among the groups gnomAD compares: Admixed American, 0.0017%; no homozygotes.

Submissions (3):

Labcorp Genetics (formerly Invitae), Labcorp
Classification: Uncertain significance for Autosomal recessive limb-girdle muscular dystrophy type 2Q; Epidermolysis bullosa simplex, Ogna type; Epidermolysis bullosa simplex with nail dystrophy; Epidermolysis bullosa simplex 5C, with pyloric atresia; Epidermolysis bullosa simplex 5B, with muscular dystrophy. Last evaluated: 2022-07-16. Review status: criteria provided, single submitter. Criteria: Invitae Variant Classification Sherloc (09022015). Collection method: clinical testing. Allele origin: germline.
Comment: In summary, the available evidence is currently insufficient to determine the role of this variant in disease. Therefore, it has been classified as a Variant of Uncertain Significance. This sequence change replaces valine, which is neutral and non-polar, with alanine, which is neutral and non-polar, at codon 2416 of the PLEC protein (p.Val2416Ala). This variant is present in population databases (rs782669267, gnomAD 0.003%). This variant has not been reported in the literature in individuals affected with PLEC-related conditions. ClinVar contains an entry for this variant (Variation ID: 501750). Algorithms developed to predict the effect of missense changes on protein structure and function (SIFT, PolyPhen-2, Align-GVGD) all suggest that this variant is likely to be disruptive.

Mayo Clinic Laboratories, Mayo Clinic
Classification: Uncertain significance. Last evaluated: 2019-08-19. Review status: criteria provided, single submitter. Criteria: ACMG Guidelines, 2015. Collection method: clinical testing. Allele origin: germline. Observed: 1 variant allele.

Eurofins Ntd Llc (ga)
Classification: Uncertain significance. Last evaluated: 2017-05-05. Review status: criteria provided, single submitter. Criteria: EGL Classification Definitions 2015. Collection method: clinical testing. Allele origin: germline. Observed: 1 variant allele, 1 heterozygote.